The following is an entry in ClinVar:

NM_002439.5(MSH3):c.2162G>C (p.Gly721Ala)

Gene: MSH3 (mutS homolog 3; plus strand). Cytogenetic location: 5q14.1.
Variant type: single nucleotide variant.
Coding change: c.2162G>C on transcript NM_002439.5 (MANE Select); coding-DNA position 2162, G replaced by C.
Protein change: p.Gly721Ala; replaces glycine 721 with alanine.
Molecular consequence: missense variant.
Genome position (GRCh38, 1-based): chr5:80,768,912, G>C. VCF-style: chr5-80768912-G-C. GRCh37 (hg19) VCF-style: chr5-80064731-G-C.
Other names: c.2162G>C (NM_002439.3); short protein forms G721A.
Identifiers: ClinVar variation 640840 (VCV000640840.9), dbSNP rs761901103, ClinGen allele CA3328150.

ClinVar aggregate classification (germline): Uncertain significance. Review status: criteria provided, multiple submitters, no conflicts (2 of 4 stars). 2 submissions from 2 submitters: Uncertain significance (2). Last evaluated 2025-07-31.

Conditions:
Hereditary cancer-predisposing syndrome. Also called: Neoplastic Syndromes, Hereditary; Tumor predisposition; Hereditary Cancer Syndrome; Hereditary neoplastic syndrome. Identifiers: Orphanet 140162, MedGen C0027672, MeSH D009386, MONDO:0015356.

Allele frequency attached by ClinVar (database versions not stated): gnomAD exomes below 0.00001; ExAC 0.00001.
gnomAD v4.1: 1 of 1,612,256 alleles (0.000062%); highest among the groups gnomAD compares: East Asian, 0.0022%; no homozygotes.

Submissions (2):

Labcorp Genetics (formerly Invitae), Labcorp
Classification: Uncertain significance. Last evaluated: 2025-07-31. Review status: criteria provided, single submitter. Criteria: Invitae Variant Classification Sherloc (09022015). Collection method: clinical testing. Allele origin: germline.
Comment: This sequence change replaces glycine, which is neutral and non-polar, with alanine, which is neutral and non-polar, at codon 721 of the MSH3 protein (p.Gly721Ala). This variant is present in population databases (rs761901103, gnomAD 0.006%). This variant has not been reported in the literature in individuals affected with MSH3-related conditions. ClinVar contains an entry for this variant (Variation ID: 640840). An algorithm developed to predict the effect of missense changes on protein structure and function (PolyPhen-2) suggests that this variant is likely to be tolerated. In summary, the available evidence is currently insufficient to determine the role of this variant in disease. Therefore, it has been classified as a Variant of Uncertain Significance.

Ambry Genetics
Classification: Uncertain significance for Hereditary cancer-predisposing syndrome. Last evaluated: 2024-05-08. Review status: criteria provided, single submitter. Criteria: Ambry Variant Classification Scheme 2023. Collection method: clinical testing. Allele origin: germline.
Comment: The p.G721A variant (also known as c.2162G>C), located in coding exon 15 of the MSH3 gene, results from a G to C substitution at nucleotide position 2162. The glycine at codon 721 is replaced by alanine, an amino acid with similar properties. This amino acid position is conserved. In addition, this alteration is predicted to be tolerated by in silico analysis. Based on the available evidence, the clinical significance of this variant remains unclear.